The following is an entry in ClinVar:

ClinVar aggregate classification (germline): Pathogenic/Likely pathogenic. Review status: criteria provided, multiple submitters, no conflicts (2 of 4 stars). 3 submissions from 3 submitters: Pathogenic (1); Likely pathogenic (2). Last evaluated 2025-12-06.

Conditions:
Lamellar ichthyosis. Identifiers: Orphanet 313, MedGen C5848247, MONDO:0017778.
Autosomal recessive congenital ichthyosis 2 (ARCI2). Identifiers: Orphanet 281122, Orphanet 79394, MedGen C3888093, MONDO:0009439, OMIM 242100.

Allele frequency attached by ClinVar (database versions not stated): TOPMed below 0.00001; gnomAD exomes 0.00001.

Submissions (3):

Labcorp Genetics (formerly Invitae), Labcorp
Classification: Pathogenic. Last evaluated: 2025-12-06. Review status: criteria provided, single submitter. Criteria: Invitae Variant Classification Sherloc (09022015). Collection method: clinical testing. Allele origin: germline.
Comment: This sequence change replaces arginine, which is basic and polar, with tryptophan, which is neutral and slightly polar, at codon 689 of the ALOXE3 protein (p.Arg689Trp). This variant is present in population databases (no rsID available, gnomAD 0.006%). This missense change has been observed in individual(s) with autosomal recessive congenital ichthyosis (PMID: 26762237, 30578701, 31168818). This variant is also known as c.2461C>T (p.Arg821Trp). ClinVar contains an entry for this variant (Variation ID: 633813). Invitae Evidence Modeling of protein sequence and biophysical properties (such as structural, functional, and spatial information, amino acid conservation, physicochemical variation, residue mobility, and thermodynamic stability) indicates that this missense variant is expected to disrupt ALOXE3 protein function with a positive predictive value of 80%. For these reasons, this variant has been classified as Pathogenic.

Women's Health and Genetics/Laboratory Corporation of America, LabCorp
Classification: Likely pathogenic for Lamellar ichthyosis. Last evaluated: 2025-04-10. Review status: criteria provided, single submitter. Criteria: LabCorp Variant Classification Summary - May 2015. Collection method: clinical testing. Allele origin: germline.
Comment: Variant summary: ALOXE3 c.2065C>T (p.Arg689Trp) results in a non-conservative amino acid change located in the Lipoxygenase, C-terminal domain (IPR013819) of the encoded protein sequence. Four of five in-silico tools predict a damaging effect of the variant on protein function. The variant allele was found at a frequency of 8e-06 in 251486 control chromosomes.c.2065C>T has been reported in the literature in individuals affected with Lamellar Ichthyosis (example: Diociaiuti_2016, Youssefian_2018, Simpson_2019). These data indicate that the variant is likely to be associated with disease. To our knowledge, no experimental evidence demonstrating an impact on protein function has been reported. The following publications have been ascertained in the context of this evaluation (PMID: 30578701, 26762237, 31168818). ClinVar contains an entry for this variant (Variation ID: 633813). Based on the evidence outlined above, the variant was classified as likely pathogenic.

Uitto Lab, Thomas Jefferson University
Classification: Likely pathogenic for Ichthyosiform Erythroderma, Congenital, Nonbullous, 1. Last evaluated: 2018-06-08. Review status: criteria provided, single submitter. Criteria: ACMG Guidelines, 2015. Collection method: clinical testing. Allele origin: germline. Affected: yes. Study: Rare heritable connective tissue and skin disorders in Iranian cohort.

Literature cited by the submitters: PubMed 26762237 (cited by Labcorp Genetics (formerly Invitae), Labcorp and Women's Health and Genetics/Laboratory Corporation of America, LabCorp); PubMed 30578701 (cited by Labcorp Genetics (formerly Invitae), Labcorp and Women's Health and Genetics/Laboratory Corporation of America, LabCorp); PubMed 31168818 (cited by Labcorp Genetics (formerly Invitae), Labcorp and Women's Health and Genetics/Laboratory Corporation of America, LabCorp).

NM_021628.3(ALOXE3):c.2065C>T (p.Arg689Trp)

Gene: ALOXE3 (arachidonate epidermal lipoxygenase 3; minus strand). Cytogenetic location: 17p13.1.
Variant type: single nucleotide variant.
Coding change: c.2065C>T on transcript NM_021628.3 (MANE Select); coding-DNA position 2065, C replaced by T.
Protein change: p.Arg689Trp; replaces arginine 689 with tryptophan.
Molecular consequence: missense variant.
Genome position (GRCh38, 1-based): chr17:8,096,698, G>A on the plus strand (C>T on the coding strand, the complement: ALOXE3 is on the minus strand). VCF-style: chr17-8096698-G-A. GRCh37 (hg19) VCF-style: chr17-8000016-G-A.
Other names: c.2461C>T, p.Arg821Trp (NM_001165960.1); c.2062C>T, p.Arg688Trp (NM_001369446.1); short protein forms R689W, R821W, R688W.
Identifiers: ClinVar variation 633813 (VCV000633813.7), dbSNP rs1311967606, ClinGen allele CA397965087.